The following is an entry in ClinVar:

NM_000260.4(MYO7A):c.1344-1G>C

Gene: MYO7A (myosin VIIA; plus strand). Cytogenetic location: 11q13.5.
Variant type: single nucleotide variant.
Coding change: c.1344-1G>C on transcript NM_000260.4 (MANE Select); the canonical splice acceptor site of the intron before coding-DNA position 1344, G replaced by C.
Molecular consequence: splice acceptor variant.
Genome position (GRCh38, 1-based): chr11:77,162,119, G>C. VCF-style: chr11-77162119-G-C. GRCh37 (hg19) VCF-style: chr11-76873165-G-C.
Other names: c.1311-1G>C (NM_001369365.1); c.1344-1G>C (NM_001127180.2).
Identifiers: ClinVar variation 3601450 (VCV003601450.1).

ClinVar aggregate classification (germline): Pathogenic (1 of 4 stars; one submission).

Conditions:
Autosomal recessive nonsyndromic hearing loss 2. Also called: NEUROSENSORY NONSYNDROMIC RECESSIVE DEAFNESS 2; DEAFNESS, AUTOSOMAL RECESSIVE 2. Identifiers: Orphanet 90636, MedGen C1838701, MONDO:0010807, OMIM 600060.

Submission:

Institute of Rare Diseases, West China Hospital, Sichuan University
Classification: Pathogenic for Autosomal recessive nonsyndromic hearing loss 2. Last evaluated: 2025-01-09. Review status: criteria provided, single submitter. Criteria: ClinGen HL ACMG Specifications v1. Collection method: research. Allele origin: germline. Affected: yes.
Comment: PVS1;PM3;PM2_Supporting